The following is an entry in ClinVar:

NM_007374.3(SIX6):c.549C>G (p.Asp183Glu)

Genes: C14orf39 (chromosome 14 open reading frame 39; minus strand), SIX6 (SIX homeobox 6; plus strand). Cytogenetic location: 14q23.1.
Variant type: single nucleotide variant.
Coding change: c.549C>G on transcript NM_007374.3 (MANE Select); coding-DNA position 549, C replaced by G.
Protein change: p.Asp183Glu; replaces aspartic acid 183 with glutamic acid.
Molecular consequence: missense variant.
Genome position (GRCh38, 1-based): chr14:60,509,947, C>G. VCF-style: chr14-60509947-C-G. GRCh37 (hg19) VCF-style: chr14-60976665-C-G.
Other names: short protein forms D183E.
Identifiers: ClinVar variation 870595 (VCV000870595.5), dbSNP rs748077751, ClinGen allele CA7212606.

ClinVar aggregate classification (germline): Likely pathogenic (1 of 4 stars; one submission).

Conditions:
Colobomatous optic disc-macular atrophy-chorioretinopathy syndrome (ODRMD). Also called: OPTIC DISC ANOMALIES WITH RETINAL AND/OR MACULAR DYSTROPHY. Identifiers: Orphanet 435930, MedGen C4225424, MONDO:0008927, OMIM 212550.

Allele frequency attached by ClinVar (database versions not stated): ExAC below 0.00001.

Submission:

Diagnostics Services (NGS), CSIR - Centre For Cellular And Molecular Biology
Classification: Likely pathogenic for Colobomatous optic disc-macular atrophy-chorioretinopathy syndrome. Last evaluated: 2020-04-02. Review status: criteria provided, single submitter. Criteria: ACMG Guidelines, 2015. Collection method: clinical testing. Allele origin: unknown. Inheritance: Autosomal recessive inheritance. Affected: yes. Observed: 1 homozygote.
Comment: The c.549C>G variant is not present in publicly available databases like 1000 Genomes, Exome Variant Server (EVS), Exome Aggregation Consortium (ExAC), Genome Aggregation Database (gnomAD) and dbSNP. The variant is not present in our in-house exome database. The variant was not reported to OMIM, Human Genome Mutation Database (HGMD) or ClinVar databases in any affected individuals. The region is highly conserved and in-silico pathogenicity prediction programs like SIFT, PolyPhen-2 MutationTaster2, CADD, etc. predicted this variant to be likely deleterious. Online Human Splicer Finder version 3.1 (HSF3.1) program predicted this variant may affect splicing by altering splicing regulatory elements (ESS/ESE). However there are no documented functional studies to prove this. Due to lack of enough evidence and also considering the specific phenotype of the patient the variant has been classified as likely pathogenic.